The following is an entry in ClinVar:

ClinVar aggregate classification (germline): Likely benign. Review status: criteria provided, multiple submitters, no conflicts (2 of 4 stars). 4 submissions from 4 submitters: Likely benign (3). 1 of the submissions does not count toward it. Last evaluated 2025-09-07.

Conditions:
Supravalvar aortic stenosis (SVAS). Also called: Supravalvar aortic stenosis, Eisenberg type. Identifiers: Orphanet 3193, MedGen C0003499, MONDO:0008504, OMIM 185500, HP:0004381.
ELN-related disorder.

Allele frequency attached by ClinVar (database versions not stated): gnomAD 0.00006; TOPMed 0.00014; 1000 Genomes Project 30x 0.00016; 1000 Genomes Project 0.00020.
gnomAD v4.1: 132 of 1,614,114 alleles (0.0082%); highest among the groups gnomAD compares: Admixed American, 0.018%; no homozygotes.

Submissions (4):

Labcorp Genetics (formerly Invitae), Labcorp
Classification: Likely benign for Supravalvar aortic stenosis. Last evaluated: 2025-09-07. Review status: criteria provided, single submitter. Criteria: Invitae Variant Classification Sherloc (09022015). Collection method: clinical testing. Allele origin: germline.

CeGaT Center for Human Genetics Tuebingen
Classification: Likely benign. Last evaluated: 2025-03-01. Review status: criteria provided, single submitter. Criteria: CeGaT Center For Human Genetics Tuebingen Variant Classification Criteria Version 2. Collection method: clinical testing. Allele origin: germline. Affected: yes. Observed: 1 variant allele.
Comment: ELN: BP4, BP7

GeneDx
Classification: Likely benign. Last evaluated: 2020-07-20. Review status: criteria provided, single submitter. Criteria: GeneDx Variant Classification Process June 2021. Collection method: clinical testing. Allele origin: germline. Affected: yes.

PreventionGenetics, part of Exact Sciences
Classification: Likely benign for ELN-related condition. Last evaluated: 2021-05-11. Review status: no assertion criteria provided. Collection method: clinical testing. Allele origin: germline. Not counted in ClinVar's aggregate classification.
Comment: This variant is classified as likely benign based on ACMG/AMP sequence variant interpretation guidelines (Richards et al. 2015 PMID: 25741868, with internal and published modifications).

NM_000501.4(ELN):c.483C>T (p.Pro161=)

Gene: ELN (elastin; plus strand). Cytogenetic location: 7q11.23.
Variant type: single nucleotide variant.
Coding change: c.483C>T on transcript NM_000501.4 (MANE Select); coding-DNA position 483, C replaced by T.
Protein change: p.Pro161=; no amino-acid change (proline 161 retained).
Molecular consequence: synonymous variant. On other transcripts: intron variant (1).
Genome position (GRCh38, 1-based): chr7:74,045,235, C>T. VCF-style: chr7-74045235-C-T. GRCh37 (hg19) VCF-style: chr7-73459565-C-T.
Other names: c.453C>T, p.Pro151= (NM_001081752.3, NM_001278917.2); c.498C>T, p.Pro166= (NM_001081753.3, NM_001081754.3); c.483C>T, p.Pro161= (NM_001081755.3, NM_001278912.2, NM_001278915.2 and 2 more transcripts); c.447C>T, p.Pro149= (NM_001278913.2); c.468C>T, p.Pro156= (NM_001278914.2); c.439+1315C>T (NM_001278918.2); c.483C>T (NM_000501.3).
Identifiers: ClinVar variation 700084 (VCV000700084.19), dbSNP rs150690195, ClinGen allele CA4292525.
Genomic context (GRCh38, chr7:74,045,235, plus strand): 5'-GCCTGCAAGGCCTGCCTTCCTACACTCACTGCTTTGTCCCCCGGCAGGAGCTCGGTTCCC[C>T]GGTGTGGGGGTGCTCCCTGGAGTTCCCACTGGAGCAGGAGTTAAGCCCAAGGCTCCAGGT-3'
Protein context (NP_000492.2, residues 151-171): PGGVLPGARF[Pro161=]GVGVLPGVPT